The following is an entry in ClinVar:

NM_000548.5(TSC2):c.4605C>A (p.Asp1535Glu)

Gene: TSC2 (TSC complex subunit 2; plus strand). Cytogenetic location: 16p13.3.
Variant type: single nucleotide variant.
Coding change: c.4605C>A on transcript NM_000548.5 (MANE Select); coding-DNA position 4605, C replaced by A.
Protein change: p.Asp1535Glu; replaces aspartic acid 1535 with glutamic acid.
Molecular consequence: missense variant.
Genome position (GRCh38, 1-based): chr16:2,085,265, C>A. VCF-style: chr16-2085265-C-A. GRCh37 (hg19) VCF-style: chr16-2135266-C-A.
Other names: c.4404C>A, p.Asp1468Glu (NM_001077183.3); c.4536C>A, p.Asp1512Glu (NM_001114382.3); c.4296C>A, p.Asp1432Glu (NM_001318827.2); c.4260C>A, p.Asp1420Glu (NM_001318829.2); c.3873C>A, p.Asp1291Glu (NM_001318831.2); c.4437C>A, p.Asp1479Glu (NM_001318832.2); c.4407C>A, p.Asp1469Glu (NM_001363528.2); c.4473C>A, p.Asp1491Glu (NM_001370404.1); and 1 more; short protein forms D1535E, D1291E, D1420E, D1469E, D1432E, D1468E, D1512E, D1479E.
Identifiers: ClinVar variation 486640 (VCV000486640.13), dbSNP rs1555515283, ClinGen allele CA394304645.

ClinVar aggregate classification (germline): Uncertain significance. Review status: criteria provided, multiple submitters, no conflicts (2 of 4 stars). 2 submissions from 2 submitters: Uncertain significance (2). Last evaluated 2022-12-13.

Conditions:
Hereditary cancer-predisposing syndrome. Also called: Tumor predisposition; Neoplastic Syndromes, Hereditary; Hereditary Cancer Syndrome; Hereditary neoplastic syndrome. Identifiers: Orphanet 140162, MedGen C0027672, MeSH D009386, MONDO:0015356.
Tuberous sclerosis 2 (TSC2). Identifiers: Orphanet 805, MedGen C1860707, MONDO:0013199, OMIM 613254.

gnomAD v4.1: 2 of 1,612,772 alleles (0.00012%); highest among the groups gnomAD compares: Non-Finnish European, 0.00017%; no homozygotes.

Submissions (2):

Labcorp Genetics (formerly Invitae), Labcorp
Classification: Uncertain significance for Tuberous sclerosis 2. Last evaluated: 2022-12-13. Review status: criteria provided, single submitter. Criteria: Invitae Variant Classification Sherloc (09022015). Collection method: clinical testing. Allele origin: germline.
Comment: In summary, the available evidence is currently insufficient to determine the role of this variant in disease. Therefore, it has been classified as a Variant of Uncertain Significance. Advanced modeling of protein sequence and biophysical properties (such as structural, functional, and spatial information, amino acid conservation, physicochemical variation, residue mobility, and thermodynamic stability) performed at Invitae indicates that this missense variant is not expected to disrupt TSC2 protein function. ClinVar contains an entry for this variant (Variation ID: 486640). This variant has not been reported in the literature in individuals affected with TSC2-related conditions. This variant is not present in population databases (gnomAD no frequency). This sequence change replaces aspartic acid, which is acidic and polar, with glutamic acid, which is acidic and polar, at codon 1535 of the TSC2 protein (p.Asp1535Glu).

Ambry Genetics
Classification: Uncertain significance for Hereditary cancer-predisposing syndrome. Last evaluated: 2017-09-08. Review status: criteria provided, single submitter. Criteria: Ambry Variant Classification Scheme 2023. Collection method: clinical testing. Allele origin: germline.
Comment: The p.D1535E variant (also known as c.4605C>A), located in coding exon 35 of the TSC2 gene, results from a C to A substitution at nucleotide position 4605. The aspartic acid at codon 1535 is replaced by glutamic acid, an amino acid with highly similar properties. This amino acid position is highly conserved in available vertebrate species. In addition, this alteration is predicted to be deleterious by in silico analysis. Since supporting evidence is limited at this time, the clinical significance of this alteration remains unclear.